The following is an entry in ClinVar:

ClinVar aggregate classification (germline): Uncertain significance (1 of 4 stars; one submission).

Allele frequency attached by ClinVar (database versions not stated): gnomAD exomes below 0.00001; gnomAD 0.00001.

Submission:

Ambry Genetics
Classification: Uncertain significance. Last evaluated: 2024-04-24. Review status: criteria provided, single submitter. Criteria: Ambry Variant Classification Scheme 2023. Collection method: clinical testing. Allele origin: germline.
Comment: The p.C518Y variant (also known as c.1553G>A), located in coding exon 10 of the POLQ gene, results from a G to A substitution at nucleotide position 1553. The cysteine at codon 518 is replaced by tyrosine, an amino acid with highly dissimilar properties. This amino acid position is conserved. In addition, the in silico prediction for this alteration is inconclusive. Since supporting evidence is limited at this time, the clinical significance of this alteration remains unclear.

NM_199420.4(POLQ):c.1553G>A (p.Cys518Tyr)

Gene: POLQ (DNA polymerase theta; minus strand). Cytogenetic location: 3q13.33.
Variant type: single nucleotide variant.
Coding change: c.1553G>A on transcript NM_199420.4 (MANE Select); coding-DNA position 1553, G replaced by A.
Protein change: p.Cys518Tyr; replaces cysteine 518 with tyrosine.
Molecular consequence: missense variant.
Genome position (GRCh38, 1-based): chr3:121,511,945, C>T on the plus strand (G>A on the coding strand, the complement: POLQ is on the minus strand). VCF-style: chr3-121511945-C-T. GRCh37 (hg19) VCF-style: chr3-121230792-C-T.
Other names: short protein forms C518Y.
Identifiers: ClinVar variation 1775106 (VCV001775106.3), dbSNP rs2048258621, ClinGen allele CA354116132.